The following is an entry in ClinVar:

NM_004064.5(CDKN1B):c.369dup (p.Asn124Ter)

Gene: CDKN1B (cyclin dependent kinase inhibitor 1B; plus strand). Cytogenetic location: 12p13.1.
Variant type: Duplication.
Coding change: c.369dup on transcript NM_004064.5 (MANE Select); coding-DNA position 369, one base duplicated (T; older notation c.369dupT).
Protein change: p.Asn124Ter; replaces asparagine 124 with a stop codon.
Molecular consequence: nonsense.
Genome position (GRCh38, 1-based): chr12:12,718,208, T duplicated. VCF-style (leftmost placement, unchanged base first): chr12-12718207-C-CT. GRCh37 (hg19) VCF-style: chr12-12871141-C-CT.
Other names: short protein forms N124*.
Identifiers: ClinVar variation 2450777 (VCV002450777.2), dbSNP rs2497405447, ClinGen allele CA2580085204.

ClinVar aggregate classification (germline): Pathogenic (1 of 4 stars; one submission).

Conditions:
Hereditary cancer-predisposing syndrome. Also called: Neoplastic Syndromes, Hereditary; Tumor predisposition; Hereditary neoplastic syndrome; Hereditary Cancer Syndrome. Identifiers: Orphanet 140162, MedGen C0027672, MeSH D009386, MONDO:0015356.

Submission:

Ambry Genetics
Classification: Pathogenic for Hereditary cancer-predisposing syndrome. Last evaluated: 2022-11-17. Review status: criteria provided, single submitter. Criteria: Ambry Variant Classification Scheme 2023. Collection method: clinical testing. Allele origin: germline.
Comment: The c.369dupT pathogenic mutation, located in coding exon 1 of the CDKN1B gene, results from a duplication of T at nucleotide position 369, causing a translational frameshift with a predicted alternate stop codon (p.N124*). This variant is considered to be rare based on population cohorts in the Genome Aggregation Database (gnomAD). This alteration is expected to result in loss of function by premature protein truncation or nonsense-mediated mRNA decay. As such, this alteration is interpreted as a disease-causing mutation.